The following is an entry in ClinVar:

NM_032122.5(DTNBP1):c.652A>G (p.Ile218Val)

Gene: DTNBP1 (dystrobrevin binding protein 1; minus strand). Cytogenetic location: 6p22.3.
Variant type: single nucleotide variant.
Coding change: c.652A>G on transcript NM_032122.5 (MANE Select); coding-DNA position 652, A replaced by G.
Protein change: p.Ile218Val; replaces isoleucine 218 with valine.
Molecular consequence: missense variant. On other transcripts: non-coding transcript variant (1).
Genome position (GRCh38, 1-based): chr6:15,533,255, T>C on the plus strand (A>G on the coding strand, the complement: DTNBP1 is on the minus strand). VCF-style: chr6-15533255-T-C. GRCh37 (hg19) VCF-style: chr6-15533486-T-C.
Other names: c.409A>G, p.Ile137Val (NM_001271667.2); c.601A>G, p.Ile201Val (NM_001271668.2); c.547A>G, p.Ile183Val (NM_001271669.2); c.652A>G, p.Ile218Val (NM_183040.2); short protein forms I201V, I218V, I137V, I183V.
Identifiers: ClinVar variation 1524269 (VCV001524269.6), dbSNP rs2127797853, ClinGen allele CA362806802.

ClinVar aggregate classification (germline): Uncertain significance (1 of 4 stars; one submission).

Allele frequency attached by ClinVar (database versions not stated): gnomAD exomes below 0.00001.
gnomAD v4.1: 3 of 1,614,050 alleles (0.00019%); highest among the groups gnomAD compares: Non-Finnish European, 0.00025%; no homozygotes.

Submission:

Labcorp Genetics (formerly Invitae), Labcorp
Classification: Uncertain significance. Last evaluated: 2021-10-10. Review status: criteria provided, single submitter. Criteria: Invitae Variant Classification Sherloc (09022015). Collection method: clinical testing. Allele origin: germline.
Comment: In summary, the available evidence is currently insufficient to determine the role of this variant in disease. Therefore, it has been classified as a Variant of Uncertain Significance. Algorithms developed to predict the effect of missense changes on protein structure and function output the following: SIFT: "Deleterious"; PolyPhen-2: "Benign"; Align-GVGD: "Class C25". The valine amino acid residue is found in multiple mammalian species, which suggests that this missense change does not adversely affect protein function. This variant has not been reported in the literature in individuals affected with DTNBP1-related conditions. This variant is not present in population databases (ExAC no frequency). This sequence change replaces isoleucine with valine at codon 218 of the DTNBP1 protein (p.Ile218Val). The isoleucine residue is highly conserved and there is a small physicochemical difference between isoleucine and valine.